The following is an entry in ClinVar:

ClinVar aggregate classification (germline): Uncertain significance (0 of 4 stars; one submission).

Conditions:
GNAS-related disorder. Identifiers: MedGen CN380105.

Allele frequency attached by ClinVar (database versions not stated): ExAC 0.00001.
gnomAD v4.1: 11 of 1,612,494 alleles (0.00068%); highest among the groups gnomAD compares: South Asian, 0.0033%; no homozygotes.

Submission:

PreventionGenetics, part of Exact Sciences
Classification: Uncertain significance for GNAS-related condition. Last evaluated: 2023-11-23. Review status: no assertion criteria provided. Collection method: clinical testing. Allele origin: germline.
Comment: The GNAS c.1732G>A variant is predicted to result in the amino acid substitution p.Gly578Arg. Of note, this variant is also referred to as c.-36730G>A (Pre-Coding) with the more commonly reported transcript, NM_000516. To our knowledge, this variant has not been reported in the literature. This variant is reported in 0.0065% of alleles in individuals of South Asian descent in gnomAD. At this time, the clinical significance of this variant is uncertain due to the absence of conclusive functional and genetic evidence.

NM_080425.4(GNAS):c.1732G>A (p.Gly578Arg)

Gene: GNAS (GNAS complex locus; plus strand). Cytogenetic location: 20q13.32.
Variant type: single nucleotide variant.
Coding change: c.1732G>A on transcript NM_080425.4 (MANE Plus Clinical); coding-DNA position 1732, G replaced by A.
Protein change: p.Gly578Arg; replaces glycine 578 with arginine.
Molecular consequence: missense variant. On other transcripts: synonymous variant (2), intron variant (3).
Genome position (GRCh38, 1-based): chr20:58,854,997, G>A. VCF-style: chr20-58854997-G-A. GRCh37 (hg19) VCF-style: chr20-57430052-G-A.
Other names: c.1545G>A, p.Ala515= (NM_001077490.3, NM_001309883.1); c.1732G>A, p.Gly578Arg (NM_001410913.1); c.*42+14111G>A (NM_016592.5); c.43+14111G>A (NM_001410912.1); c.-39+13122G>A (NM_001309861.2); short protein forms G578R.
Identifiers: ClinVar variation 3029708 (VCV003029708.2), dbSNP rs753954316, ClinGen allele CA9926749.
Genomic context (GRCh38, chr20:58,854,997, plus strand): 5'-AGCCGCGGCCGCCGCGTGTACTACGATGAAGGGGTGGCCAGCAGCGACGATGACTCCAGC[G>A]GAGACGAGTCCGACGATGGGACCTCCGGATGCCTCCGCTGGTTTCAGCATCGGCGAAATC-3'
Protein context (NP_536350.2, residues 568-588): GVASSDDDSS[Gly578Arg]DESDDGTSGC